The following is an entry in ClinVar:

NM_000051.3:c.3577-39_3577-38insALU

Gene: ATM (ATM serine/threonine kinase; plus strand).
Variant type: Insertion.
Identifiers: ClinVar variation 2587756 (VCV002587756.2).

ClinVar aggregate classification (germline): Uncertain significance (1 of 4 stars; one submission).

Conditions:
Hereditary cancer-predisposing syndrome. Also called: Tumor predisposition; Hereditary Cancer Syndrome; Hereditary neoplastic syndrome; Neoplastic Syndromes, Hereditary. Identifiers: Orphanet 140162, MedGen C0027672, MeSH D009386, MONDO:0015356.

Submission:

Ambry Genetics
Classification: Uncertain significance for Hereditary cancer-predisposing syndrome. Last evaluated: 2023-07-18. Review status: criteria provided, single submitter. Criteria: Ambry Variant Classification Scheme 2023. Collection method: clinical testing. Allele origin: germline.
Comment: The c.3577-39_3577-38insALU intronic variant, results from an insertion of an Alu element 38 nucleotides before coding exon 24 of the ATM gene. In silico splice site analysis for this alteration is unavailable and direct RNA evidence is insufficient at this time (Ambry internal data). Since supporting evidence is limited at this time, the clinical significance of this alteration remains unclear.